The following is an entry in ClinVar:

NM_001276270.2(MBD4):c.449G>A (p.Gly150Asp)

Gene: MBD4 (methyl-CpG binding domain 4, DNA glycosylase; minus strand). Cytogenetic location: 3q21.3.
Variant type: single nucleotide variant.
Coding change: c.449G>A on transcript NM_001276270.2 (MANE Select); coding-DNA position 449, G replaced by A.
Protein change: p.Gly150Asp; replaces glycine 150 with aspartic acid.
Molecular consequence: missense variant. On other transcripts: intron variant (1).
Genome position (GRCh38, 1-based): chr3:129,437,195, C>T on the plus strand (G>A on the coding strand, the complement: MBD4 is on the minus strand). VCF-style: chr3-129437195-C-T. GRCh37 (hg19) VCF-style: chr3-129156038-C-T.
Other names: c.449G>A, p.Gly150Asp (NM_001276271.2, NM_001276272.2, NM_003925.3); c.247+613G>A (NM_001276273.2); short protein forms G150D.
Identifiers: ClinVar variation 3688874 (VCV003688874.3).

ClinVar aggregate classification (germline): Uncertain significance. Review status: criteria provided, multiple submitters, no conflicts (2 of 4 stars). 2 submissions from 2 submitters: Uncertain significance (2). Last evaluated 2025-09-11.

Conditions:
Inborn genetic diseases. Identifiers: MedGen C0950123, MeSH D030342.

gnomAD v4.1: 2 of 1,613,868 alleles (0.00012%); highest among the groups gnomAD compares: South Asian, 0.0011%; no homozygotes.

Submissions (2):

Labcorp Genetics (formerly Invitae), Labcorp
Classification: Uncertain significance. Last evaluated: 2025-09-11. Review status: criteria provided, single submitter. Criteria: Invitae Variant Classification Sherloc (09022015). Collection method: clinical testing. Allele origin: germline.
Comment: This sequence change replaces glycine, which is neutral and non-polar, with aspartic acid, which is acidic and polar, at codon 150 of the MBD4 protein (p.Gly150Asp). This variant is not present in population databases (gnomAD no frequency). This variant has not been reported in the literature in individuals affected with MBD4-related conditions. ClinVar contains an entry for this variant (Variation ID: 3688874). An algorithm developed to predict the effect of missense changes on protein structure and function outputs the following: PolyPhen-2: "Benign". The aspartic acid amino acid residue is found in multiple mammalian species, which suggests that this missense change does not adversely affect protein function. In summary, the available evidence is currently insufficient to determine the role of this variant in disease. Therefore, it has been classified as a Variant of Uncertain Significance.

Ambry Genetics
Classification: Uncertain significance for Inborn genetic diseases. Last evaluated: 2025-06-25. Review status: criteria provided, single submitter. Criteria: Ambry Variant Classification Scheme 2023. Collection method: clinical testing. Allele origin: germline.
Comment: The p.G150D variant (also known as c.449G>A), located in coding exon 3 of the MBD4 gene, results from a G to A substitution at nucleotide position 449. The glycine at codon 150 is replaced by aspartic acid, an amino acid with similar properties. This amino acid position is conserved. In addition, this alteration is predicted to be tolerated by in silico analysis. Based on the available evidence, the clinical significance of this variant remains unclear.